The following is an entry in ClinVar:

NM_004937.3(CTNS):c.455G>A (p.Arg152Gln)

Genes: CTNS-AS1 (CTNS antisense RNA 1; minus strand), CTNS (cystinosin, lysosomal cystine transporter; plus strand). Cytogenetic location: 17p13.2.
Variant type: single nucleotide variant.
Coding change: c.455G>A on transcript NM_004937.3 (MANE Select); coding-DNA position 455, G replaced by A.
Protein change: p.Arg152Gln; replaces arginine 152 with glutamine.
Molecular consequence: missense variant.
Genome position (GRCh38, 1-based): chr17:3,655,346, G>A. VCF-style: chr17-3655346-G-A. GRCh37 (hg19) VCF-style: chr17-3558640-G-A.
Other names: c.455G>A, p.Arg152Gln (NM_001031681.3, NM_001374492.1); c.14G>A, p.Arg5Gln (NM_001374493.1, NM_001374494.1, NM_001374495.1 and 1 more transcripts); short protein forms R152Q, R5Q.
Identifiers: ClinVar variation 2063992 (VCV002063992.1), dbSNP rs780729618, ClinGen allele CA8291715.

ClinVar aggregate classification (germline): Uncertain significance (1 of 4 stars; one submission).

Conditions:
Inborn genetic diseases. Identifiers: MedGen C0950123, MeSH D030342.
Ocular cystinosis. Also called: Non-Nephropathic Cystinosis; Non-Nephropathic (Ocular) Cystinosis. Identifiers: Orphanet 213, Orphanet 411641, MedGen C2931013, MONDO:0009064, OMIM 219750.
Juvenile nephropathic cystinosis. Also called: Intermediate Cystinosis; CYSTINOSIS, LATE-ONSET JUVENILE OR ADOLESCENT NEPHROPATHIC TYPE; Later-Onset (Juvenile) Cystinosis. Identifiers: Orphanet 213, Orphanet 411634, MedGen C0268626, MONDO:0009066, OMIM 219900.

Allele frequency attached by ClinVar (database versions not stated): gnomAD 0.00001; TOPMed 0.00001; gnomAD exomes 0.00002; ExAC 0.00004.
gnomAD v4.1: 28 of 1,613,960 alleles (0.0017%); highest among the groups gnomAD compares: East Asian, 0.018%; no homozygotes.

Submission:

Labcorp Genetics (formerly Invitae), Labcorp
Classification: Uncertain significance for Inborn genetic diseases; Ocular cystinosis; Juvenile nephropathic cystinosis. Last evaluated: 2022-04-09. Review status: criteria provided, single submitter. Criteria: Invitae Variant Classification Sherloc (09022015). Collection method: clinical testing. Allele origin: germline.
Comment: This sequence change replaces arginine, which is basic and polar, with glutamine, which is neutral and polar, at codon 152 of the CTNS protein (p.Arg152Gln). This variant is present in population databases (rs780729618, gnomAD 0.01%). This variant has not been reported in the literature in individuals affected with CTNS-related conditions. Advanced modeling of protein sequence and biophysical properties (such as structural, functional, and spatial information, amino acid conservation, physicochemical variation, residue mobility, and thermodynamic stability) performed at Invitae indicates that this missense variant is expected to disrupt CTNS protein function. Experimental studies have shown that this missense change affects CTNS function (PMID: 22232659). In summary, the available evidence is currently insufficient to determine the role of this variant in disease. Therefore, it has been classified as a Variant of Uncertain Significance.

Literature cited by the submitters: PubMed 22232659.